The following is an entry in ClinVar:

NM_021076.4(NEFH):c.1311G>T (p.Lys437Asn)

Gene: NEFH (neurofilament heavy chain; plus strand). Cytogenetic location: 22q12.2.
Variant type: single nucleotide variant.
Coding change: c.1311G>T on transcript NM_021076.4 (MANE Select); coding-DNA position 1311, G replaced by T.
Protein change: p.Lys437Asn; replaces lysine 437 with asparagine.
Molecular consequence: missense variant.
Genome position (GRCh38, 1-based): chr22:29,488,951, G>T. VCF-style: chr22-29488951-G-T. GRCh37 (hg19) VCF-style: chr22-29884940-G-T.
Other names: short protein forms K437N.
Identifiers: ClinVar variation 1478761 (VCV001478761.8), dbSNP rs2146399200, ClinGen allele CA411129067.

ClinVar aggregate classification (germline): Uncertain significance (1 of 4 stars; one submission).

Allele frequency attached by ClinVar (database versions not stated): gnomAD exomes 0.00001.
gnomAD v4.1: 16 of 1,614,116 alleles (0.00099%); highest among the groups gnomAD compares: Non-Finnish European, 0.0013%; no homozygotes.

Submission:

Labcorp Genetics (formerly Invitae), Labcorp
Classification: Uncertain significance. Last evaluated: 2022-09-22. Review status: criteria provided, single submitter. Criteria: Invitae Variant Classification Sherloc (09022015). Collection method: clinical testing. Allele origin: germline.
Comment: ClinVar contains an entry for this variant (Variation ID: 1478761). This sequence change replaces lysine, which is basic and polar, with asparagine, which is neutral and polar, at codon 437 of the NEFH protein (p.Lys437Asn). This variant is not present in population databases (gnomAD no frequency). This variant has not been reported in the literature in individuals affected with NEFH-related conditions. Advanced modeling of protein sequence and biophysical properties (such as structural, functional, and spatial information, amino acid conservation, physicochemical variation, residue mobility, and thermodynamic stability) performed at Invitae indicates that this missense variant is not expected to disrupt NEFH protein function. In summary, the available evidence is currently insufficient to determine the role of this variant in disease. Therefore, it has been classified as a Variant of Uncertain Significance.